The following is an entry in ClinVar:

ClinVar aggregate classification (germline): Uncertain significance (1 of 4 stars; one submission).

Submission:

GeneDx
Classification: Uncertain significance. Last evaluated: 2023-07-29. Review status: criteria provided, single submitter. Criteria: GeneDx Variant Classification Process June 2021. Collection method: clinical testing. Allele origin: germline. Affected: yes.
Comment: Not observed at significant frequency in large population cohorts (gnomAD); In silico analysis supports that this missense variant does not alter protein structure/function; Has not been previously published as pathogenic or benign to our knowledge

NM_021096.4(CACNA1I):c.6616C>G (p.Gln2206Glu)

Gene: CACNA1I (calcium voltage-gated channel subunit alpha1 I; plus strand). Cytogenetic location: 22q13.1.
Variant type: single nucleotide variant.
Coding change: c.6616C>G on transcript NM_021096.4 (MANE Select); coding-DNA position 6616, C replaced by G.
Protein change: p.Gln2206Glu; replaces glutamine 2206 with glutamic acid.
Molecular consequence: missense variant.
Genome position (GRCh38, 1-based): chr22:39,686,349, C>G. VCF-style: chr22-39686349-C-G. GRCh37 (hg19) VCF-style: chr22-40082354-C-G.
Other names: c.6511C>G, p.Gln2171Glu (NM_001003406.2); short protein forms Q2171E, Q2206E.
Identifiers: ClinVar variation 3361650 (VCV003361650.1).